The following is an entry in ClinVar:

NM_001128228.3(TPRN):c.2033A>G (p.Gln678Arg)

Gene: TPRN (taperin; minus strand). Cytogenetic location: 9q34.3.
Variant type: single nucleotide variant.
Coding change: c.2033A>G on transcript NM_001128228.3 (MANE Select); coding-DNA position 2033, A replaced by G.
Protein change: p.Gln678Arg; replaces glutamine 678 with arginine.
Molecular consequence: missense variant.
Genome position (GRCh38, 1-based): chr9:137,192,299, T>C on the plus strand (A>G on the coding strand, the complement: TPRN is on the minus strand). VCF-style: chr9-137192299-T-C. GRCh37 (hg19) VCF-style: chr9-140086751-T-C.
Other names: short protein forms Q678R.
Identifiers: ClinVar variation 2071848 (VCV002071848.1), dbSNP rs371983657, ClinGen allele CA201715032.

ClinVar aggregate classification (germline): Uncertain significance (1 of 4 stars; one submission).

Allele frequency attached by ClinVar (database versions not stated): gnomAD 0.00001; gnomAD exomes 0.00002; TOPMed 0.00002; ESP Exome Variant Server 0.00008.
gnomAD v4.1: 35 of 1,612,846 alleles (0.0022%); highest among the groups gnomAD compares: Non-Finnish European, 0.0027%; no homozygotes.

Submission:

Labcorp Genetics (formerly Invitae), Labcorp
Classification: Uncertain significance. Last evaluated: 2022-09-26. Review status: criteria provided, single submitter. Criteria: Invitae Variant Classification Sherloc (09022015). Collection method: clinical testing. Allele origin: germline.
Comment: This sequence change replaces glutamine, which is neutral and polar, with arginine, which is basic and polar, at codon 678 of the TPRN protein (p.Gln678Arg). This variant is not present in population databases (gnomAD no frequency). This variant has not been reported in the literature in individuals affected with TPRN-related conditions. Advanced modeling of protein sequence and biophysical properties (such as structural, functional, and spatial information, amino acid conservation, physicochemical variation, residue mobility, and thermodynamic stability) performed at Invitae indicates that this missense variant is not expected to disrupt TPRN protein function. In summary, the available evidence is currently insufficient to determine the role of this variant in disease. Therefore, it has been classified as a Variant of Uncertain Significance.